The following is an entry in ClinVar:

ClinVar aggregate classification (germline): Uncertain significance. Review status: criteria provided, multiple submitters, no conflicts (2 of 4 stars). 3 submissions from 3 submitters: Uncertain significance (3). Last evaluated 2025-06-24.

Conditions:
ACOX1-related disorder. Also called: ACOX1-related condition; ACOX1-related disorders.
Inborn genetic diseases. Identifiers: MedGen C0950123, MeSH D030342.
Acyl-CoA oxidase deficiency. Also called: STRAIGHT-CHAIN ACYL-CoA OXIDASE DEFICIENCY; Pseudoneonatal adrenoleukodystrophy; Peroxisomal acyl-CoA oxidase deficiency. Identifiers: Orphanet 2971, MedGen C1849678, MONDO:0009919, OMIM 264470. Disease mechanism: loss of function.

Allele frequency attached by ClinVar (database versions not stated): gnomAD exomes 0.00008; TOPMed 0.00008; ExAC 0.00006; gnomAD 0.00007; ESP Exome Variant Server 0.00008.
gnomAD v4.1: 132 of 1,613,822 alleles (0.0082%); highest among the groups gnomAD compares: Non-Finnish European, 0.01%; no homozygotes.

Submissions (3):

Labcorp Genetics (formerly Invitae), Labcorp
Classification: Uncertain significance for Acyl-CoA oxidase deficiency. Last evaluated: 2025-06-24. Review status: criteria provided, single submitter. Criteria: Invitae Variant Classification Sherloc (09022015). Collection method: clinical testing. Allele origin: germline.
Comment: This sequence change replaces arginine, which is basic and polar, with cysteine, which is neutral and slightly polar, at codon 210 of the ACOX1 protein (p.Arg210Cys). This variant is present in population databases (rs376105255, gnomAD 0.009%). This variant has not been reported in the literature in individuals affected with ACOX1-related conditions. ClinVar contains an entry for this variant (Variation ID: 2194540). Invitae Evidence Modeling of protein sequence and biophysical properties (such as structural, functional, and spatial information, amino acid conservation, physicochemical variation, residue mobility, and thermodynamic stability) indicates that this missense variant is expected to disrupt ACOX1 protein function with a positive predictive value of 80%. In summary, the available evidence is currently insufficient to determine the role of this variant in disease. Therefore, it has been classified as a Variant of Uncertain Significance.

PreventionGenetics, part of Exact Sciences
Classification: Uncertain significance for ACOX1-related condition. Last evaluated: 2025-03-20. Review status: criteria provided, single submitter. Criteria: ACMG Guidelines, 2015. Collection method: clinical testing. Allele origin: germline.
Comment: The ACOX1 c.628C>T variant is predicted to result in the amino acid substitution p.Arg210Cys. To our knowledge, this variant has not been reported in the literature. This variant is reported in 0.0093% of alleles in individuals of European (Non-Finnish) descent in gnomAD. At this time, the clinical significance of this variant is uncertain due to the absence of conclusive functional and genetic evidence.

Ambry Genetics
Classification: Uncertain significance for Inborn genetic diseases. Last evaluated: 2022-06-03. Review status: criteria provided, single submitter. Criteria: Ambry Variant Classification Scheme 2023. Collection method: clinical testing. Allele origin: germline.
Comment: Unlikely to be causative of Mitchell syndrome (AD) Based on insufficient or conflicting evidence, the clinical significance of this alteration remains unclear.

NM_004035.7(ACOX1):c.628C>T (p.Arg210Cys)

Gene: ACOX1 (acyl-CoA oxidase 1; minus strand). Cytogenetic location: 17q25.1.
Variant type: single nucleotide variant.
Coding change: c.628C>T on transcript NM_004035.7 (MANE Select); coding-DNA position 628, C replaced by T.
Protein change: p.Arg210Cys; replaces arginine 210 with cysteine.
Molecular consequence: missense variant.
Genome position (GRCh38, 1-based): chr17:75,955,858, G>A on the plus strand (C>T on the coding strand, the complement: ACOX1 is on the minus strand). VCF-style: chr17-75955858-G-A. GRCh37 (hg19) VCF-style: chr17-73951939-G-A.
Other names: c.514C>T, p.Arg172Cys (NM_001185039.2); c.628C>T, p.Arg210Cys (NM_007292.6); c.628C>T (NM_004035.6); short protein forms R210C, R172C.
Identifiers: ClinVar variation 2194540 (VCV002194540.5), dbSNP rs376105255, ClinGen allele CA8776970.